The following is an entry in ClinVar:

ClinVar aggregate classification (germline): Uncertain significance (1 of 4 stars; one submission).

gnomAD v4.1: 1 of 1,613,260 alleles (0.000062%); highest among the groups gnomAD compares: Admixed American, 0.0017%; no homozygotes.

Submission:

Ambry Genetics
Classification: Uncertain significance. Last evaluated: 2024-06-28. Review status: criteria provided, single submitter. Criteria: Ambry Variant Classification Scheme 2023. Collection method: clinical testing. Allele origin: germline.
Comment: The p.A442S variant (also known as c.1324G>T), located in coding exon 9 of the POLQ gene, results from a G to T substitution at nucleotide position 1324. The alanine at codon 442 is replaced by serine, an amino acid with similar properties. This amino acid position is conserved. In addition, the in silico prediction for this alteration is inconclusive. Based on the available evidence, the clinical significance of this variant remains unclear.

NM_199420.4(POLQ):c.1324G>T (p.Ala442Ser)

Gene: POLQ (DNA polymerase theta; minus strand). Cytogenetic location: 3q13.33.
Variant type: single nucleotide variant.
Coding change: c.1324G>T on transcript NM_199420.4 (MANE Select); coding-DNA position 1324, G replaced by T.
Protein change: p.Ala442Ser; replaces alanine 442 with serine.
Molecular consequence: missense variant.
Genome position (GRCh38, 1-based): chr3:121,520,015, C>A on the plus strand (G>T on the coding strand, the complement: POLQ is on the minus strand). VCF-style: chr3-121520015-C-A. GRCh37 (hg19) VCF-style: chr3-121238862-C-A.
Other names: short protein forms A442S.
Identifiers: ClinVar variation 3422419 (VCV003422419.1).